The following is an entry in ClinVar:

ClinVar aggregate classification (germline): Benign/Likely benign. Review status: criteria provided, single submitter (1 of 4 stars). 4 submissions from 1 submitter: Benign (2); Likely benign (2). Last evaluated 2018-01-13.

Conditions:
Trigonocephaly 1 (TRIGNO1). Identifiers: Orphanet 3366, MedGen C0432122, MONDO:0008603, OMIM 190440.
Craniosynostosis syndrome. Also called: Craniosynostosis. Identifiers: Orphanet 1531, MedGen C0010278, MeSH D003398, MONDO:0015469, HP:0001363.
Osteoglophonic dysplasia (OGD). Also called: Osteoglophonic dwarfism. Identifiers: Orphanet 2645, MedGen C0432283, MONDO:0008150, OMIM 166250.
Hypogonadotropic hypogonadism 2 with or without anosmia (HH2). Also called: HYPOGONADOTROPIC HYPOGONADISM 2 WITH OR WITHOUT ANOSMIA, SUSCEPTIBILITY TO; HYPOGONADOTROPIC HYPOGONADISM 2 WITHOUT ANOSMIA, SUSCEPTIBILITY TO; FGFR1-Related GnRH Deficiency (Kallmann Syndrome 2); HYPOGONADOTROPIC HYPOGONADISM 2 WITHOUT ANOSMIA. Identifiers: Orphanet 478, MedGen C1563720, MONDO:0007844, OMIM 147950. Disease mechanism: loss of function.

Allele frequency attached by ClinVar (database versions not stated): gnomAD exomes 0.00002 and 0.00003; ExAC 0.00003; gnomAD 0.00003; TOPMed 0.00003.
gnomAD v4.1: 40 of 1,613,836 alleles (0.0025%); highest among the groups gnomAD compares: South Asian, 0.019%; 1 homozygote.

Submissions (4):

Illumina Laboratory Services, Illumina
Classification: Likely benign for Hypogonadotropic hypogonadism 2 with or without anosmia. Last evaluated: 2018-01-13. Review status: criteria provided, single submitter. Criteria: ICSL Variant Classification Criteria 13 December 2019. Collection method: clinical testing. Allele origin: germline.
Comment: This variant was observed in the ICSL laboratory as part of a predisposition screen in an ostensibly healthy population. It had not been previously curated by ICSL or reported in the Human Gene Mutation Database (HGMD: prior to June 1st, 2018), and was therefore a candidate for classification through an automated scoring system. Utilizing variant allele frequency, disease prevalence and penetrance estimates, and inheritance mode, an automated score was calculated to assess if this variant is too frequent to cause the disease. Based on the score and internal cut-off values, a variant classified as likely benign is not then subjected to further curation. The score for this variant resulted in a classification of likely benign for this disease.

Illumina Laboratory Services, Illumina
Classification: Likely benign for Craniosynostosis. Last evaluated: 2018-01-13. Review status: criteria provided, single submitter. Criteria: ICSL Variant Classification Criteria 13 December 2019. Collection method: clinical testing. Allele origin: germline.
Comment: the same text as in the submission from Illumina Laboratory Services, Illumina above.

Illumina Laboratory Services, Illumina
Classification: Benign for Osteoglophonic dysplasia. Last evaluated: 2018-01-13. Review status: criteria provided, single submitter. Criteria: ICSL Variant Classification Criteria 13 December 2019. Collection method: clinical testing. Allele origin: germline.
Comment: This variant was observed in the ICSL laboratory as part of a predisposition screen in an ostensibly healthy population. It had not been previously curated by ICSL or reported in the Human Gene Mutation Database (HGMD: prior to June 1st, 2018), and was therefore a candidate for classification through an automated scoring system. Utilizing variant allele frequency, disease prevalence and penetrance estimates, and inheritance mode, an automated score was calculated to assess if this variant is too frequent to cause the disease. Based on the score and internal cut-off values, a variant classified as benign is not then subjected to further curation. The score for this variant resulted in a classification of benign for this disease.

Illumina Laboratory Services, Illumina
Classification: Benign for Trigonocephaly 1. Last evaluated: 2018-01-13. Review status: criteria provided, single submitter. Criteria: ICSL Variant Classification Criteria 13 December 2019. Collection method: clinical testing. Allele origin: germline.
Comment: the same text as in the submission from Illumina Laboratory Services, Illumina above.

NM_023110.3(FGFR1):c.449-7C>T

Gene: FGFR1 (fibroblast growth factor receptor 1; minus strand). Cytogenetic location: 8p11.23.
Variant type: single nucleotide variant.
Coding change: c.449-7C>T on transcript NM_023110.3 (MANE Select); 7 bases into the intron before coding-DNA position 449, C replaced by T.
Molecular consequence: intron variant.
Genome position (GRCh38, 1-based): chr8:38,428,100, G>A on the plus strand (C>T on the coding strand, the complement: FGFR1 is on the minus strand). VCF-style: chr8-38428100-G-A. GRCh37 (hg19) VCF-style: chr8-38285618-G-A.
Other names: c.176-7C>T (NM_001354368.2, NM_001354370.2, NM_023106.3); c.182-7C>T (NM_023105.3, NM_001174066.2); c.443-7C>T (NM_001354367.2, NM_015850.4, NM_001354369.2 and 1 more transcripts); c.449-7C>T (NM_001174063.2); c.425-7C>T (NM_001174064.2); c.542-7C>T (NM_001174067.2).
Identifiers: ClinVar variation 362903 (VCV000362903.5), dbSNP rs754454127, ClinGen allele CA4718720.